The following is an entry in ClinVar:

NM_133642.5(LARGE1):c.211G>A (p.Glu71Lys)

Gene: LARGE1 (LARGE xylosyl- and glucuronyltransferase 1; minus strand). Cytogenetic location: 22q12.3.
Variant type: single nucleotide variant.
Coding change: c.211G>A on transcript NM_133642.5 (MANE Select); coding-DNA position 211, G replaced by A.
Protein change: p.Glu71Lys; replaces glutamic acid 71 with lysine.
Molecular consequence: missense variant.
Genome position (GRCh38, 1-based): chr22:33,650,564, C>T on the plus strand (G>A on the coding strand, the complement: LARGE1 is on the minus strand). VCF-style: chr22-33650564-C-T. GRCh37 (hg19) VCF-style: chr22-34046550-C-T.
Other names: c.211G>A (NM_004737.6); c.211G>A, p.Glu71Lys (NM_001362949.2, NM_001362951.2, NM_001362953.2 and 7 more transcripts); short protein forms E71K.
Identifiers: ClinVar variation 158807 (VCV000158807.60), dbSNP rs116164106, ClinGen allele CA172466.

ClinVar aggregate classification (germline): Conflicting classifications of pathogenicity. Review status: criteria provided, conflicting classifications (1 of 4 stars). 11 submissions from 10 submitters: Uncertain significance (9); Likely benign (2). Last evaluated 2025-12-02.

Conditions:
Muscular dystrophy. Identifiers: Orphanet 98473, MedGen C0026850, MeSH D009136, MONDO:0020121, HP:0003560.
Muscular dystrophy-dystroglycanopathy (congenital with brain and eye anomalies), type A1 (MDDGA1). Also called: COD-MD SYNDROME; Muscular dystrophy-dystroglycanopathy (congenital with brain and eye anomalies), type A, 1; WALKER-WARBURG SYNDROME OR MUSCLE-EYE-BRAIN DISEASE, POMT1-RELATED; Hydrocephalus, agyria and retinal dysplasia; Hard +/- E syndrome; Warburg syndrome. Identifiers: Orphanet 588, Orphanet 899, MedGen C4284790, MONDO:0009364, OMIM 236670.
Muscular dystrophy-dystroglycanopathy (congenital with brain and eye anomalies), type A6. Also called: MUSCULAR DYSTROPHY-DYSTROGLYCANOPATHY (CONGENITAL WITH BRAIN AND EYE ANOMALIES), TYPE A, 6; WALKER-WARBURG SYNDROME OR MUSCLE-EYE-BRAIN DISEASE, LARGE-RELATED. Identifiers: Orphanet 588, Orphanet 899, MedGen C3150414, MONDO:0013158, OMIM 613154.
Muscular dystrophy-dystroglycanopathy type B6 (MDDGB6). Also called: MUSCULAR DYSTROPHY, CONGENITAL, LARGE-RELATED; MUSCULAR DYSTROPHY, CONGENITAL, TYPE 1D; MUSCULAR DYSTROPHY-DYSTROGLYCANOPATHY (CONGENITAL WITH IMPAIRED INTELLECTUAL DEVELOPMENT), TYPE B, 6. Identifiers: MedGen C1837229, MONDO:0012138, OMIM 608840.

Allele frequency attached by ClinVar (database versions not stated): 1000 Genomes Project 30x 0.00031; gnomAD 0.00057; ExAC 0.00072; gnomAD exomes 0.00073 and 0.00140; 1000 Genomes Project 0.00020; TOPMed 0.00087; ESP Exome Variant Server 0.00108.
gnomAD v4.1: 2,177 of 1,607,980 alleles (0.14%); highest among the groups gnomAD compares: Non-Finnish European, 0.17%; 2 homozygotes.

Submissions (11):

GeneDx
Classification: Uncertain significance. Last evaluated: 2025-12-02. Review status: criteria provided, single submitter. Criteria: GeneDx Variant Classification Process June 2021. Collection method: clinical testing. Allele origin: germline. Affected: yes.
Comment: In silico analysis supports that this missense variant has a deleterious effect on protein structure/function; Has not been previously published as pathogenic or benign to our knowledge; This variant is associated with the following publications: (PMID: 17878207, 25279699, 24709677)

Athena Diagnostics
Classification: Uncertain significance. Last evaluated: 2025-08-29. Review status: criteria provided, single submitter. Criteria: Athena Diagnostics Criteria. Collection method: clinical testing. Allele origin: unknown.
Comment: Available data are insufficient to determine the clinical significance of the variant at this time. The frequency of this variant in the general population is uninformative in assessment of its pathogenicity. Polyphen and MutationTaster predict this amino acid change may be benign.

CeGaT Center for Human Genetics Tuebingen
Classification: Likely benign. Last evaluated: 2025-07-01. Review status: criteria provided, single submitter. Criteria: CeGaT Center For Human Genetics Tuebingen Variant Classification Criteria Version 2. Collection method: clinical testing. Allele origin: germline. Affected: yes. Observed: 2 variant alleles.
Comment: LARGE1: BS2

Blueprint Genetics
Classification: Uncertain significance. Last evaluated: 2024-11-13. Review status: criteria provided, single submitter. Criteria: ACMG Guidelines, 2015. Collection method: clinical testing. Allele origin: germline.

Revvity Omics, Revvity
Classification: Likely benign. Last evaluated: 2023-06-29. Review status: criteria provided, single submitter. Criteria: ACMG Guidelines, 2015. Collection method: clinical testing. Allele origin: germline.

Labcorp Genetics (formerly Invitae), Labcorp
Classification: Uncertain significance for Muscular dystrophy-dystroglycanopathy type B6. Last evaluated: 2022-10-13. Review status: criteria provided, single submitter. Criteria: Invitae Variant Classification Sherloc (09022015). Collection method: clinical testing. Allele origin: germline.
Comment: This sequence change replaces glutamic acid, which is acidic and polar, with lysine, which is basic and polar, at codon 71 of the LARGE1 protein (p.Glu71Lys). This variant is present in population databases (rs116164106, gnomAD 0.1%), and has an allele count higher than expected for a pathogenic variant. This variant has not been reported in the literature in individuals affected with LARGE1-related conditions. ClinVar contains an entry for this variant (Variation ID: 158807). Algorithms developed to predict the effect of missense changes on protein structure and function (SIFT, PolyPhen-2, Align-GVGD) all suggest that this variant is likely to be tolerated. In summary, the available evidence is currently insufficient to determine the role of this variant in disease. Therefore, it has been classified as a Variant of Uncertain Significance.

Fulgent Genetics
Classification: Uncertain significance for Muscular dystrophy-dystroglycanopathy (congenital with brain and eye anomalies), type A1; Muscular dystrophy-dystroglycanopathy type B6; Muscular dystrophy-dystroglycanopathy (congenital with brain and eye anomalies), type A6. Last evaluated: 2018-10-31. Review status: criteria provided, single submitter. Criteria: ACMG Guidelines, 2015. Collection method: clinical testing. Allele origin: unknown.

Illumina Laboratory Services, Illumina
Classification: Uncertain significance for Muscular dystrophy-dystroglycanopathy type B6. Last evaluated: 2018-01-12. Review status: criteria provided, single submitter. Criteria: ICSL Variant Classification Criteria 13 December 2019. Collection method: clinical testing. Allele origin: germline.

Illumina Laboratory Services, Illumina
Classification: Uncertain significance for Muscular dystrophy-dystroglycanopathy (congenital with brain and eye anomalies), type A6. Last evaluated: 2018-01-12. Review status: criteria provided, single submitter. Criteria: ICSL Variant Classification Criteria 13 December 2019. Collection method: clinical testing. Allele origin: germline.

Eurofins Ntd Llc (ga)
Classification: Uncertain significance. Last evaluated: 2016-05-19. Review status: criteria provided, single submitter. Criteria: EGL Classification Definitions 2015. Collection method: clinical testing. Allele origin: germline. Observed: 2 variant alleles, 2 heterozygotes.

Genetic Services Laboratory, University of Chicago
Classification: Uncertain significance for Muscular dystrophy. Last evaluated: 2013-12-05. Review status: criteria provided, single submitter. Criteria: ACMG Guidelines, 2007. Collection method: clinical testing. Allele origin: germline. Inheritance: Autosomal recessive inheritance.

Literature cited by the submitters: PubMed 17878207 (cited by Athena Diagnostics).